The following is an entry in ClinVar:

ClinVar aggregate classification (germline): Likely benign (0 of 4 stars; one submission).

Conditions:
NF2-related disorder. Also called: NF2-related condition.

Allele frequency attached by ClinVar (database versions not stated): gnomAD 0.00001; gnomAD exomes 0.00001; TOPMed 0.00001; ExAC 0.00002.
gnomAD v4.1: 14 of 1,614,054 alleles (0.00087%); highest among the groups gnomAD compares: Non-Finnish European, 0.0012%; no homozygotes.

Submission:

PreventionGenetics, part of Exact Sciences
Classification: Likely benign for NF2-related condition. Last evaluated: 2023-01-06. Review status: no assertion criteria provided. Collection method: clinical testing. Allele origin: germline.
Comment: This variant is classified as likely benign based on ACMG/AMP sequence variant interpretation guidelines (Richards et al. 2015 PMID: 25741868, with internal and published modifications).

NM_000268.4(NF2):c.1737+1457C>T

Gene: NF2 (NF2, moesin-ezrin-radixin like (MERLIN) tumor suppressor; plus strand). Cytogenetic location: 22q12.2.
Variant type: single nucleotide variant.
Coding change: c.1737+1457C>T on transcript NM_000268.4 (MANE Select); 1457 bases into the intron after coding-DNA position 1737, C replaced by T.
Molecular consequence: intron variant. On other transcripts: 3 prime UTR variant (14).
Genome position (GRCh38, 1-based): chr22:29,683,058, C>T. VCF-style: chr22-29683058-C-T. GRCh37 (hg19) VCF-style: chr22-30079047-C-T.
Other names: c.*3C>T (NM_001407056.1, NM_001407058.1, NM_001407059.1 and 11 more transcripts); c.1623+1457C>T (NM_001407053.1); c.1574+4735C>T (NM_001407060.1); c.1602+1457C>T (NM_001407057.1); c.448-11694C>T (NM_181833.3); c.1614+1457C>T (NM_001407054.1); c.1479+1457C>T (NM_001407062.1); c.1611+1457C>T (NM_001407055.1); and 1 more.
Identifiers: ClinVar variation 3048023 (VCV003048023.2), dbSNP rs770119441, ClinGen allele CA034517.